The following is an entry in ClinVar:

ClinVar aggregate classification (germline): Conflicting classifications of pathogenicity. Review status: criteria provided, conflicting classifications (1 of 4 stars). 2 submissions from 2 submitters: Uncertain significance (1); Benign (1). Last evaluated 2019-10-17.

Conditions:
Leigh syndrome (NULS). Also called: Leigh's necrotizing encephalopathy; Leigh's disease; Leigh's syndrome; Subacute necrotizing encephalopathy; Necrotizing encephalopathy infantile subacute of Leigh; Leigh Disease. Identifiers: Orphanet 506, MedGen C2931891, MONDO:0009723, OMIM 256000.

Submissions (2):

Wong Mito Lab, Molecular and Human Genetics, Baylor College of Medicine
Classification: Benign for Leigh syndrome. Last evaluated: 2019-10-17. Review status: criteria provided, single submitter. Criteria: Modified ACMG Guidelines (Unpublished). Collection method: clinical testing. Allele origin: germline.
Comment: The NC_012920.1:m.3548T>C (YP_003024026.1:p.Ile81Thr) variant in MTND1 gene is interpretated to be a Benign variant based on the modified ACMG guidelines (unpublished). This variant meets the following evidence codes: BS1, BS2, BP4

Stanford Center for Inherited Cardiovascular Disease, Stanford University
Classification: Uncertain significance. Last evaluated: 2014-03-18. Review status: criteria provided, single submitter. Criteria: ACMG Guidelines, 2015. Collection method: provider interpretation. Allele origin: germline.

NC_012920.1(MT-ND1):m.3548T>C

Gene: MT-ND1 (mitochondrially encoded NADH dehydrogenase 1; plus strand).
Variant type: single nucleotide variant.
Genome position: chrM-3548-T-C.
Identifiers: ClinVar variation 235006 (VCV000235006.3), dbSNP rs876661353, ClinGen allele CA10581196.